The following is an entry in ClinVar:

NM_001267550.2(TTN):c.30598+3A>T

Gene: TTN (titin; minus strand). Cytogenetic location: 2q31.2.
Variant type: single nucleotide variant.
Coding change: c.30598+3A>T on transcript NM_001267550.2 (MANE Select); 3 bases into the intron after coding-DNA position 30598, A replaced by T.
Molecular consequence: intron variant.
Genome position (GRCh38, 1-based): chr2:178,701,525, T>A on the plus strand (A>T on the coding strand, the complement: TTN is on the minus strand). VCF-style: chr2-178701525-T-A. GRCh37 (hg19) VCF-style: chr2-179566252-T-A.
Other names: c.13282+36557A>T (NM_003319.4); c.13858+36557A>T (NM_133437.4); c.13657+36557A>T (NM_133432.3); c.26866+3A>T (NM_133378.4); c.29647+3A>T (NM_001256850.1).
Identifiers: ClinVar variation 1703426 (VCV001703426.2), dbSNP rs372242140, ClinGen allele CA1999109.

ClinVar aggregate classification (germline): Uncertain significance (1 of 4 stars; one submission).

Allele frequency attached by ClinVar (database versions not stated): TOPMed below 0.00001; gnomAD exomes 0.00001; ExAC 0.00002; ESP Exome Variant Server 0.00008.
gnomAD v4.1: 8 of 1,612,578 alleles (0.0005%); highest among the groups gnomAD compares: Non-Finnish European, 0.00068%; no homozygotes.

Submission:

GeneDx
Classification: Uncertain significance. Last evaluated: 2022-02-23. Review status: criteria provided, single submitter. Criteria: GeneDx Variant Classification Process June 2021. Collection method: clinical testing. Allele origin: germline. Affected: yes.
Comment: Not observed at significant frequency in large population cohorts (gnomAD); In silico analysis supports a deleterious effect on splicing; Has not been previously published as pathogenic or benign to our knowledge